The following is an entry in ClinVar:

ClinVar aggregate classification (germline): Pathogenic. Review status: reviewed by expert panel (3 of 4 stars). 2 submissions from 2 submitters: Pathogenic (1). 1 of the submissions does not count toward it. Last evaluated 2017-12-15.

Conditions:
Hereditary breast ovarian cancer syndrome. Also called: Hereditary breast and ovarian cancer syndrome (HBOC); BRCA1- and BRCA2-Associated Hereditary Breast and Ovarian Cancer; Hereditary breast and/or ovarian cancer syndrome; Hereditary breast and ovarian cancer syndrome; Hereditary breast and ovarian cancer; Breast and ovarian cancer. Identifiers: Orphanet 145, MedGen C0677776, MeSH D061325, MONDO:0003582. Disease mechanism: loss of function.
Breast-ovarian cancer, familial, susceptibility to, 1 (BROVCA1). Also called: BRCA1 Hereditary Breast and Ovarian Cancer; OVARIAN CANCER, SUSCEPTIBILITY TO. Identifiers: Orphanet 145, MedGen C2676676, MONDO:0011450, OMIM 604370. Disease mechanism: loss of function.

Submissions (2):

Evidence-based Network for the Interpretation of Germline Mutant Alleles (ENIGMA)
Classification: Pathogenic for Breast-ovarian cancer, familial, susceptibility to, 1. Last evaluated: 2017-12-15. Review status: reviewed by expert panel. Criteria: ENIGMA BRCA1/2 Classification Criteria (2017-06-29). Collection method: curation. Allele origin: germline. Study: ENIGMA.
Comment: Variant allele predicted to encode a truncated non-functional protein.

Research Molecular Genetics Laboratory, Women's College Hospital, University of Toronto
Classification: Pathogenic for Hereditary breast ovarian cancer syndrome. Last evaluated: 2014-01-31. Review status: no assertion criteria provided. Collection method: research. Allele origin: germline. Affected: yes. Study: The Canadian Open Genetics Repository (COGR). Not counted in ClinVar's aggregate classification.

NM_007294.4(BRCA1):c.700_704del (p.Thr234fs)

Gene: BRCA1 (BRCA1 DNA repair associated; minus strand). Cytogenetic location: 17q21.31.
Variant type: Deletion.
Coding change: c.700_704del on transcript NM_007294.4 (MANE Select); coding-DNA positions 700 to 704, 5 bases deleted (ACAAA; older notation c.700_704delACAAA).
Protein change: p.Thr234fs; shifts the reading frame from threonine 234.
Molecular consequence: frameshift variant. On other transcripts: non-coding transcript variant (1).
Genome position (GRCh38, 1-based): chr17:43,094,827-43,094,831, TTTGT deleted on the plus strand (ACAAA on the coding strand, the reverse complement: BRCA1 is on the minus strand); deleting any 5 consecutive bases within chr17:43,094,827-43,094,832 gives the same sequence; the c. name uses the placement nearest the transcript's 3' end. VCF-style (leftmost placement, unchanged base first): chr17-43094826-ATTTGT-A. GRCh37 (hg19) VCF-style: chr17-41246843-ATTTGT-A.
Other names: c.700_704delACAAA (NM_007294.3); c.486_490delAACAA, p.Thr163Tyrfs (NM_001407571.1, NM_001407853.1, NM_001407894.1 and 12 more transcripts); c.699_703delAACAA, p.Thr234Tyrfs (NM_001407581.1, NM_001407582.1, NM_001407583.1 and 52 more transcripts); c.696_700delAACAA, p.Thr233Tyrfs (NM_001407587.1, NM_001407590.1, NM_001407591.1 and 38 more transcripts); c.690_694delAACAA, p.Thr231Tyrfs (NM_001407646.1, NM_001407647.1, NM_001408408.1); c.576_580delAACAA, p.Thr193Tyrfs (NM_001407648.1, NM_001407664.1, NM_001407665.1 and 34 more transcripts); c.573_577delAACAA, p.Thr192Tyrfs (NM_001407649.1, NM_001407670.1, NM_001407671.1 and 20 more transcripts); c.621_625delAACAA, p.Thr208Tyrfs (NM_001407653.1, NM_001407654.1, NM_001407655.1 and 9 more transcripts); and 17 more; short protein forms T234fs, T187fs.
Identifiers: ClinVar variation 431200 (VCV000431200.2), dbSNP rs1135401837, ClinGen allele CA645373198.